The following is an entry in ClinVar:

NM_001376.5(DYNC1H1):c.5818-229G>C

Gene: DYNC1H1 (dynein cytoplasmic 1 heavy chain 1; plus strand). Cytogenetic location: 14q32.31.
Variant type: single nucleotide variant.
Coding change: c.5818-229G>C on transcript NM_001376.5 (MANE Select); 229 bases into the intron before coding-DNA position 5818, G replaced by C.
Molecular consequence: intron variant.
Genome position (GRCh38, 1-based): chr14:102,007,949, G>C. VCF-style: chr14-102007949-G-C. GRCh37 (hg19) VCF-style: chr14-102474286-G-C.
Identifiers: ClinVar variation 679346 (VCV000679346.1), dbSNP rs7148205, ClinGen allele CA14037203.

ClinVar aggregate classification (germline): Benign (1 of 4 stars; one submission).

Allele frequency attached by ClinVar (database versions not stated): gnomAD 0.14871 and 0.15045; TOPMed 0.15662; 1000 Genomes Project 30x 0.19550; 1000 Genomes Project 0.19609.
gnomAD v4.1: 22,822 of 152,188 alleles (15%); highest among the groups gnomAD compares: East Asian, 24%; 1,945 homozygotes.

Submission:

GeneDx
Classification: Benign. Last evaluated: 2018-06-18. Review status: criteria provided, single submitter. Criteria: GeneDx Variant Classification (06012015). Collection method: clinical testing. Allele origin: germline. Affected: yes.
Comment: This variant is considered likely benign or benign based on one or more of the following criteria: it is a conservative change, it occurs at a poorly conserved position in the protein, it is predicted to be benign by multiple in silico algorithms, and/or has population frequency not consistent with disease.